The following is an entry in ClinVar:

NM_000256.3(MYBPC3):c.2113A>G (p.Thr705Ala)

Gene: MYBPC3 (myosin binding protein C3; minus strand). Cytogenetic location: 11p11.2.
Variant type: single nucleotide variant.
Coding change: c.2113A>G on transcript NM_000256.3 (MANE Select); coding-DNA position 2113, A replaced by G.
Protein change: p.Thr705Ala; replaces threonine 705 with alanine.
Molecular consequence: missense variant.
Genome position (GRCh38, 1-based): chr11:47,339,359, T>C on the plus strand (A>G on the coding strand, the complement: MYBPC3 is on the minus strand). VCF-style: chr11-47339359-T-C. GRCh37 (hg19) VCF-style: chr11-47360910-T-C.
Other names: short protein forms T705A.
Identifiers: ClinVar variation 858873 (VCV000858873.12), dbSNP rs2059051476, ClinGen allele CA380320925.

ClinVar aggregate classification (germline): Uncertain significance. Review status: criteria provided, multiple submitters, no conflicts (2 of 4 stars). 3 submissions from 3 submitters: Uncertain significance (3). Last evaluated 2025-07-02.

Conditions:
Cardiomyopathy (CMYO). Also called: Cardiomyopathies. Identifiers: Orphanet 167848, MedGen C0878544, MONDO:0004994, HP:0001638. Inheritance: Various modes of inheritance.
Hypertrophic cardiomyopathy. Also called: HYPERTROPHIC MYOCARDIOPATHY. Identifiers: Orphanet 217569, MedGen C0007194, MeSH D002312, MONDO:0005045, HP:0001639.

Allele frequency attached by ClinVar (database versions not stated): TOPMed below 0.00001; gnomAD exomes 0.00001.
gnomAD v4.1: 3 of 1,614,044 alleles (0.00019%); highest among the groups gnomAD compares: Admixed American, 0.0033%; no homozygotes.

Submissions (3):

Labcorp Genetics (formerly Invitae), Labcorp
Classification: Uncertain significance for Hypertrophic cardiomyopathy. Last evaluated: 2025-07-02. Review status: criteria provided, single submitter. Criteria: Invitae Variant Classification Sherloc (09022015). Collection method: clinical testing. Allele origin: germline.
Comment: This sequence change replaces threonine, which is neutral and polar, with alanine, which is neutral and non-polar, at codon 705 of the MYBPC3 protein (p.Thr705Ala). This variant is not present in population databases (gnomAD no frequency). This variant has not been reported in the literature in individuals affected with MYBPC3-related conditions. ClinVar contains an entry for this variant (Variation ID: 858873). An algorithm developed to predict the effect of missense changes on protein structure and function outputs the following: PolyPhen-2: "Benign". The alanine amino acid residue is found in multiple mammalian species, which suggests that this missense change does not adversely affect protein function. In summary, the available evidence is currently insufficient to determine the role of this variant in disease. Therefore, it has been classified as a Variant of Uncertain Significance.

All of Us Research Program, National Institutes of Health
Classification: Uncertain significance for Hypertrophic cardiomyopathy. Last evaluated: 2023-02-15. Review status: criteria provided, single submitter. Criteria: ACMG Guidelines, 2015. Collection method: clinical testing. Allele origin: germline. Inheritance: Autosomal dominant inheritance. Observed: 1 variant allele, 1 heterozygote.
Comment: This missense variant replaces threonine with alanine at codon 705 of the MYBPC3 protein. Computational prediction suggests that this variant may not impact protein structure and function (internally defined REVEL score threshold <= 0.5, PMID: 27666373). To our knowledge, functional studies have not been reported for this variant. This variant has not been reported in individuals affected with MYBPC3-related disorders in the literature. This variant has not been identified in the general population by the Genome Aggregation Database (gnomAD). The available evidence is insufficient to determine the role of this variant in disease conclusively. Therefore, this variant is classified as a Variant of Uncertain Significance.

This study involves interpretation of variants in research participants for the purpose of population health screening. Participant phenotype was not available at the time of variant classification. Additional details can be found in publication PMID: 35346344, PMCID: PMC8962531

Color Diagnostics, LLC DBA Color Health
Classification: Uncertain significance for Cardiomyopathy. Last evaluated: 2022-12-15. Review status: criteria provided, single submitter. Criteria: ACMG Guidelines, 2015. Collection method: clinical testing. Allele origin: germline.
Comment: This missense variant replaces threonine with alanine at codon 705 of the MYBPC3 protein. Computational prediction suggests that this variant may not impact protein structure and function (internally defined REVEL score threshold <= 0.5, PMID: 27666373). To our knowledge, functional studies have not been reported for this variant. This variant has not been reported in individuals affected with MYBPC3-related disorders in the literature. This variant has not been identified in the general population by the Genome Aggregation Database (gnomAD). The available evidence is insufficient to determine the role of this variant in disease conclusively. Therefore, this variant is classified as a Variant of Uncertain Significance.